The following is an entry in ClinVar:

NM_000187.4(HGD):c.926G>T (p.Gly309Val)

Gene: HGD (homogentisate 1,2-dioxygenase; minus strand). Cytogenetic location: 3q13.33.
Variant type: single nucleotide variant.
Coding change: c.926G>T on transcript NM_000187.4 (MANE Select); coding-DNA position 926, G replaced by T.
Protein change: p.Gly309Val; replaces glycine 309 with valine.
Molecular consequence: missense variant.
Genome position (GRCh38, 1-based): chr3:120,638,535, C>A on the plus strand (G>T on the coding strand, the complement: HGD is on the minus strand). VCF-style: chr3-120638535-C-A. GRCh37 (hg19) VCF-style: chr3-120357382-C-A.
Other names: short protein forms G309V.
Identifiers: ClinVar variation 2683742 (VCV002683742.1), dbSNP rs1940858106, ClinGen allele CA354073624.

ClinVar aggregate classification (germline): Pathogenic (1 of 4 stars; one submission).

Conditions:
Alkaptonuria (AKU). Also called: Alkaptonuric ochronosis; HOMOGENTISIC ACID OXIDASE DEFICIENCY; Alcaptonuria; Homogentisic acidura. Identifiers: Orphanet 56, MedGen C0002066, MONDO:0008753, OMIM 203500.

Allele frequency attached by ClinVar (database versions not stated): TOPMed below 0.00001.

Submission:

Department Of Human Genetics, Institute Of Clinical And Translational Research, Biomedical Research Center, Slovak Academy Of Sciences
Classification: Pathogenic for Alkaptonuria. Review status: criteria provided, single submitter. Criteria: ACMG Guidelines, 2015. Collection method: research. Allele origin: germline. Inheritance: Autosomal recessive inheritance. Affected: yes. Observed: 4 variant alleles.
Comment: The variant was originally described in AKU patient in PMID:25804398. It has been submitted to the HGD gene mutation database (DB-ID: AKU_00162).

Literature cited by the submitters: PubMed 25804398.